The following is an entry in ClinVar:

NM_001004334.4(GPR179):c.3880C>T (p.Arg1294Trp)

Gene: GPR179 (G protein-coupled receptor 179; minus strand). Cytogenetic location: 17q12.
Variant type: single nucleotide variant.
Coding change: c.3880C>T on transcript NM_001004334.4 (MANE Select); coding-DNA position 3880, C replaced by T.
Protein change: p.Arg1294Trp; replaces arginine 1294 with tryptophan.
Molecular consequence: missense variant.
Genome position (GRCh38, 1-based): chr17:38,329,689, G>A on the plus strand (C>T on the coding strand, the complement: GPR179 is on the minus strand). VCF-style: chr17-38329689-G-A. GRCh37 (hg19) VCF-style: chr17-36485572-G-A.
Other names: short protein forms R1294W.
Identifiers: ClinVar variation 4697910 (VCV004697910.1).

ClinVar aggregate classification (germline): Uncertain significance (1 of 4 stars; one submission).

gnomAD v4.1: 31 of 1,614,052 alleles (0.0019%); highest among the groups gnomAD compares: South Asian, 0.019%; no homozygotes.

Submission:

Labcorp Genetics (formerly Invitae), Labcorp
Classification: Uncertain significance. Last evaluated: 2025-10-31. Review status: criteria provided, single submitter. Criteria: Invitae Variant Classification Sherloc (09022015). Collection method: clinical testing. Allele origin: germline.
Comment: This sequence change replaces arginine, which is basic and polar, with tryptophan, which is neutral and slightly polar, at codon 1294 of the GPR179 protein (p.Arg1294Trp). This variant is present in population databases (rs567720784, gnomAD 0.02%). This variant has not been reported in the literature in individuals affected with GPR179-related conditions. An algorithm developed to predict the effect of missense changes on protein structure and function (PolyPhen-2) suggests that this variant is likely to be tolerated. In summary, the available evidence is currently insufficient to determine the role of this variant in disease. Therefore, it has been classified as a Variant of Uncertain Significance.